The following is an entry in ClinVar:

ClinVar aggregate classification (germline): Uncertain significance (1 of 4 stars; one submission).

gnomAD v4.1: 3 of 1,613,182 alleles (0.00019%); highest among the groups gnomAD compares: Non-Finnish European, 0.00025%; no homozygotes.

Submission:

Labcorp Genetics (formerly Invitae), Labcorp
Classification: Uncertain significance. Last evaluated: 2024-10-07. Review status: criteria provided, single submitter. Criteria: Invitae Variant Classification Sherloc (09022015). Collection method: clinical testing. Allele origin: germline.
Comment: This sequence change replaces glycine, which is neutral and non-polar, with tryptophan, which is neutral and slightly polar, at codon 2 of the ATR protein (p.Gly2Trp). This variant is not present in population databases (gnomAD no frequency). This variant has not been reported in the literature in individuals affected with ATR-related conditions. ClinVar contains an entry for this variant (Variation ID: 2160795). An algorithm developed to predict the effect of missense changes on protein structure and function (PolyPhen-2) suggests that this variant is likely to be disruptive. In summary, the available evidence is currently insufficient to determine the role of this variant in disease. Therefore, it has been classified as a Variant of Uncertain Significance.

NM_001184.4(ATR):c.4G>T (p.Gly2Trp)

Gene: ATR (ATR checkpoint kinase; minus strand). Cytogenetic location: 3q23.
Variant type: single nucleotide variant.
Coding change: c.4G>T on transcript NM_001184.4 (MANE Select); coding-DNA position 4, G replaced by T.
Protein change: p.Gly2Trp; replaces glycine 2 with tryptophan.
Molecular consequence: missense variant.
Genome position (GRCh38, 1-based): chr3:142,578,701, C>A on the plus strand (G>T on the coding strand, the complement: ATR is on the minus strand). VCF-style: chr3-142578701-C-A. GRCh37 (hg19) VCF-style: chr3-142297543-C-A.
Other names: c.4G>T, p.Gly2Trp (NM_001354579.2); short protein forms G2W.
Identifiers: ClinVar variation 2160795 (VCV002160795.4), dbSNP rs2108512867, ClinGen allele CA354795957.